The following is an entry in ClinVar:

ClinVar aggregate classification (germline): Uncertain significance (1 of 4 stars; one submission).

Allele frequency attached by ClinVar (database versions not stated): gnomAD exomes below 0.00001.
gnomAD v4.1: 4 of 1,614,090 alleles (0.00025%); highest among the groups gnomAD compares: Non-Finnish European, 0.00025%; no homozygotes.

Submission:

Labcorp Genetics (formerly Invitae), Labcorp
Classification: Uncertain significance. Last evaluated: 2022-04-08. Review status: criteria provided, single submitter. Criteria: Invitae Variant Classification Sherloc (09022015). Collection method: clinical testing. Allele origin: germline.
Comment: This variant has not been reported in the literature in individuals affected with ERCC3-related conditions. This sequence change replaces tyrosine, which is neutral and polar, with cysteine, which is neutral and slightly polar, at codon 489 of the ERCC3 protein (p.Tyr489Cys). This variant is not present in population databases (gnomAD no frequency). Algorithms developed to predict the effect of missense changes on protein structure and function (SIFT, PolyPhen-2, Align-GVGD) all suggest that this variant is likely to be disruptive. In summary, the available evidence is currently insufficient to determine the role of this variant in disease. Therefore, it has been classified as a Variant of Uncertain Significance.

NM_000122.2(ERCC3):c.1466A>G (p.Tyr489Cys)

Gene: ERCC3 (ERCC excision repair 3, TFIIH core complex helicase subunit; minus strand). Cytogenetic location: 2q14.3.
Variant type: single nucleotide variant.
Coding change: c.1466A>G on transcript NM_000122.2 (MANE Select); coding-DNA position 1466, A replaced by G.
Protein change: p.Tyr489Cys; replaces tyrosine 489 with cysteine.
Molecular consequence: missense variant.
Genome position (GRCh38, 1-based): chr2:127,280,508, T>C on the plus strand (A>G on the coding strand, the complement: ERCC3 is on the minus strand). VCF-style: chr2-127280508-T-C. GRCh37 (hg19) VCF-style: chr2-128038084-T-C.
Other names: c.1274A>G, p.Tyr425Cys (NM_001303416.2, NM_001303418.2); short protein forms Y425C, Y489C.
Identifiers: ClinVar variation 2088217 (VCV002088217.4), dbSNP rs2468042701, ClinGen allele CA348389177.
Genomic context (GRCh38, chr2:127,280,508, plus strand): 5'-TCAGCACACTGGACTTTGGCGATGTAGCCATTATTCTGCAGCTCCATCCAGTTGGCTTCG[T>C]AGAGCTTAGGCCCAATCAGAAAATTTAAATCCACAATTTTGTCATCTTCGCGGACGAGGG-3'
Protein context (NP_000113.1, residues 479-499): DLNFLIGPKL[Tyr489Cys]EANWMELQNN